The following is an entry in ClinVar:

NM_001003694.2(BRPF1):c.3330T>G (p.Ile1110Met)

Gene: BRPF1 (bromodomain and PHD finger containing 1; plus strand). Cytogenetic location: 3p25.3.
Variant type: single nucleotide variant.
Coding change: c.3330T>G on transcript NM_001003694.2 (MANE Select); coding-DNA position 3330, T replaced by G.
Protein change: p.Ile1110Met; replaces isoleucine 1110 with methionine.
Molecular consequence: missense variant. On other transcripts: non-coding transcript variant (1).
Genome position (GRCh38, 1-based): chr3:9,746,305, T>G. VCF-style: chr3-9746305-T-G. GRCh37 (hg19) VCF-style: chr3-9787989-T-G.
Other names: c.3027T>G, p.Ile1009Met (NM_001319049.2); c.3309T>G, p.Ile1103Met (NM_001319050.2); c.3327T>G, p.Ile1109Met (NM_001410704.1); c.3312T>G, p.Ile1104Met (NM_004634.3); short protein forms I1009M, I1103M, I1104M, I1109M, I1110M.
Identifiers: ClinVar variation 3363321 (VCV003363321.1).

ClinVar aggregate classification (germline): Uncertain significance (1 of 4 stars; one submission).

gnomAD v4.1: 4 of 1,560,972 alleles (0.00026%); highest among the groups gnomAD compares: Non-Finnish European, 0.00017%; no homozygotes.

Submission:

GeneDx
Classification: Uncertain significance. Last evaluated: 2023-10-30. Review status: criteria provided, single submitter. Criteria: GeneDx Variant Classification Process June 2021. Collection method: clinical testing. Allele origin: germline. Affected: yes.
Comment: Not observed at significant frequency in large population cohorts (gnomAD); In silico analysis supports that this missense variant has a deleterious effect on protein structure/function; Has not been previously published as pathogenic or benign to our knowledge